The following is an entry in ClinVar:

NM_005228.5(EGFR):c.1208-5T>C

Gene: EGFR (epidermal growth factor receptor; plus strand). Cytogenetic location: 7p11.2.
Variant type: single nucleotide variant.
Coding change: c.1208-5T>C on transcript NM_005228.5 (MANE Select); 5 bases into the intron before coding-DNA position 1208, T replaced by C.
Molecular consequence: intron variant.
Genome position (GRCh38, 1-based): chr7:55,157,658, T>C. VCF-style: chr7-55157658-T-C. GRCh37 (hg19) VCF-style: chr7-55225351-T-C.
Other names: c.1073-5T>C (NM_001346899.2, NM_001346897.2); c.407-5T>C (NM_001346941.2); c.1208-5T>C (NM_001346898.2, NM_201284.2, NM_201282.2); c.1049-5T>C (NM_001346900.2).
Identifiers: ClinVar variation 4639386 (VCV004639386.1).

ClinVar aggregate classification (germline): Uncertain significance (1 of 4 stars; one submission).

Conditions:
Hereditary cancer-predisposing syndrome. Also called: Neoplastic Syndromes, Hereditary; Tumor predisposition; Hereditary Cancer Syndrome; Hereditary neoplastic syndrome. Identifiers: Orphanet 140162, MedGen C0027672, MeSH D009386, MONDO:0015356.

Submission:

Ambry Genetics
Classification: Uncertain significance for Hereditary cancer-predisposing syndrome. Last evaluated: 2025-11-04. Review status: criteria provided, single submitter. Criteria: Ambry Variant Classification Scheme 2023. Collection method: clinical testing. Allele origin: germline.
Comment: The c.1208-5T>C intronic variant results from a T to C substitution 5 nucleotides upstream from coding exon 11 in the EGFR gene. This nucleotide position is not well conserved in available vertebrate species. In silico splice site analysis predicts that this alteration may result in the creation or strengthening of a novel splice acceptor site. Based on the available evidence, the clinical significance of this variant remains unclear.